The following is an entry in ClinVar:

NM_000660.7(TGFB1):c.319G>A (p.Glu107Lys)

Genes: TGFB1 (transforming growth factor beta 1; minus strand), LOC130064510 (ATAC-STARR-seq lymphoblastoid silent region 10661; plus strand). Cytogenetic location: 19q13.2.
Variant type: single nucleotide variant.
Coding change: c.319G>A on transcript NM_000660.7 (MANE Select); coding-DNA position 319, G replaced by A.
Protein change: p.Glu107Lys; replaces glutamic acid 107 with lysine.
Molecular consequence: missense variant.
Genome position (GRCh38, 1-based): chr19:41,352,726, C>T on the plus strand (G>A on the coding strand, the complement: TGFB1 is on the minus strand). VCF-style: chr19-41352726-C-T. GRCh37 (hg19) VCF-style: chr19-41858631-C-T.
Other names: short protein forms E107K.
Identifiers: ClinVar variation 4744753 (VCV004744753.1).

ClinVar aggregate classification (germline): Uncertain significance (1 of 4 stars; one submission).

Submission:

Labcorp Genetics (formerly Invitae), Labcorp
Classification: Uncertain significance. Last evaluated: 2025-11-03. Review status: criteria provided, single submitter. Criteria: Invitae Variant Classification Sherloc (09022015). Collection method: clinical testing. Allele origin: germline.
Comment: This sequence change replaces glutamic acid, which is acidic and polar, with lysine, which is basic and polar, at codon 107 of the TGFB1 protein (p.Glu107Lys). This variant is not present in population databases (gnomAD no frequency). This variant has not been reported in the literature in individuals affected with TGFB1-related conditions. Invitae Evidence Modeling of protein sequence and biophysical properties (such as structural, functional, and spatial information, amino acid conservation, physicochemical variation, residue mobility, and thermodynamic stability) indicates that this missense variant is not expected to disrupt TGFB1 protein function with a negative predictive value of 80%. In summary, the available evidence is currently insufficient to determine the role of this variant in disease. Therefore, it has been classified as a Variant of Uncertain Significance.